The following is an entry in ClinVar:

ClinVar aggregate classification (germline): Uncertain significance. Review status: criteria provided, multiple submitters, no conflicts (2 of 4 stars). 2 submissions from 2 submitters: Uncertain significance (2). Last evaluated 2024-01-01.

Allele frequency attached by ClinVar (database versions not stated): gnomAD exomes 0.00001; TOPMed 0.00001.
gnomAD v4.1: 13 of 1,612,878 alleles (0.00081%); highest among the groups gnomAD compares: Non-Finnish European, 0.0011%; no homozygotes.

Submissions (2):

Labcorp Genetics (formerly Invitae), Labcorp
Classification: Uncertain significance. Last evaluated: 2024-01-01. Review status: criteria provided, single submitter. Criteria: Invitae Variant Classification Sherloc (09022015). Collection method: clinical testing. Allele origin: germline.
Comment: This sequence change replaces threonine, which is neutral and polar, with lysine, which is basic and polar, at codon 478 of the C2 protein (p.Thr478Lys). This variant is not present in population databases (gnomAD no frequency). This variant has not been reported in the literature in individuals affected with C2-related conditions. Advanced modeling of protein sequence and biophysical properties (such as structural, functional, and spatial information, amino acid conservation, physicochemical variation, residue mobility, and thermodynamic stability) performed at Invitae indicates that this missense variant is not expected to disrupt C2 protein function with a negative predictive value of 80%. In summary, the available evidence is currently insufficient to determine the role of this variant in disease. Therefore, it has been classified as a Variant of Uncertain Significance.

GeneDx
Classification: Uncertain significance. Last evaluated: 2023-06-21. Review status: criteria provided, single submitter. Criteria: GeneDx Variant Classification Process June 2021. Collection method: clinical testing. Allele origin: germline. Affected: yes.
Comment: Not observed at significant frequency in large population cohorts (gnomAD); In silico analysis supports that this missense variant does not alter protein structure/function; Has not been previously published as pathogenic or benign to our knowledge

NM_000063.6(C2):c.1433C>A (p.Thr478Lys)

Gene: C2 (complement C2; plus strand). Cytogenetic location: 6p21.33.
Variant type: single nucleotide variant.
Coding change: c.1433C>A on transcript NM_000063.6 (MANE Select); coding-DNA position 1433, C replaced by A.
Protein change: p.Thr478Lys; replaces threonine 478 with lysine.
Molecular consequence: missense variant.
Genome position (GRCh38, 1-based): chr6:31,943,297, C>A. VCF-style: chr6-31943297-C-A. GRCh37 (hg19) VCF-style: chr6-31911074-C-A.
Other names: c.1433C>A (NM_000063.5); c.1037C>A, p.Thr346Lys (NM_001145903.3); c.791C>A, p.Thr264Lys (NM_001178063.3); c.695C>A, p.Thr232Lys (NM_001282457.2); c.1346C>A, p.Thr449Lys (NM_001282458.2); short protein forms T232K, T346K, T449K, T264K, T478K.
Identifiers: ClinVar variation 2779983 (VCV002779983.4), dbSNP rs1461997827, ClinGen allele CA363376929.